The following is an entry in ClinVar:

NM_001457.4(FLNB):c.925A>G (p.Ser309Gly)

Gene: FLNB (filamin B; plus strand). Cytogenetic location: 3p14.3.
Variant type: single nucleotide variant.
Coding change: c.925A>G on transcript NM_001457.4 (MANE Select); coding-DNA position 925, A replaced by G.
Protein change: p.Ser309Gly; replaces serine 309 with glycine.
Molecular consequence: missense variant.
Genome position (GRCh38, 1-based): chr3:58,096,159, A>G. VCF-style: chr3-58096159-A-G. GRCh37 (hg19) VCF-style: chr3-58081886-A-G.
Other names: c.925A>G, p.Ser309Gly (NM_001164317.2, NM_001164318.2, NM_001164319.2); short protein forms S309G.
Identifiers: ClinVar variation 2966334 (VCV002966334.3), dbSNP rs948896228, ClinGen allele CA75440902.

ClinVar aggregate classification (germline): Uncertain significance (1 of 4 stars; one submission).

Allele frequency attached by ClinVar (database versions not stated): gnomAD exomes below 0.00001; TOPMed below 0.00001.
gnomAD v4.1: 1 of 1,613,946 alleles (0.000062%); highest among the groups gnomAD compares: Non-Finnish European, 0.000085%; no homozygotes.

Submission:

Labcorp Genetics (formerly Invitae), Labcorp
Classification: Uncertain significance. Last evaluated: 2025-03-31. Review status: criteria provided, single submitter. Criteria: Invitae Variant Classification Sherloc (09022015). Collection method: clinical testing. Allele origin: germline.
Comment: This sequence change replaces serine, which is neutral and polar, with glycine, which is neutral and non-polar, at codon 309 of the FLNB protein (p.Ser309Gly). This variant is not present in population databases (gnomAD no frequency). This variant has not been reported in the literature in individuals affected with FLNB-related conditions. ClinVar contains an entry for this variant (Variation ID: 2966334). Invitae Evidence Modeling of protein sequence and biophysical properties (such as structural, functional, and spatial information, amino acid conservation, physicochemical variation, residue mobility, and thermodynamic stability) indicates that this missense variant is not expected to disrupt FLNB protein function with a negative predictive value of 95%. In summary, the available evidence is currently insufficient to determine the role of this variant in disease. Therefore, it has been classified as a Variant of Uncertain Significance.